The following is an entry in ClinVar:

NM_000089.4(COL1A2):c.891T>G (p.Pro297=)

Gene: COL1A2 (collagen type I alpha 2 chain; plus strand). Cytogenetic location: 7q21.3.
Variant type: single nucleotide variant.
Coding change: c.891T>G on transcript NM_000089.4 (MANE Select); coding-DNA position 891, T replaced by G.
Protein change: p.Pro297=; no amino-acid change (proline 297 retained).
Molecular consequence: synonymous variant.
Genome position (GRCh38, 1-based): chr7:94,409,420, T>G. VCF-style: chr7-94409420-T-G. GRCh37 (hg19) VCF-style: chr7-94038732-T-G.
Other names: p.Pro297=.
Identifiers: ClinVar variation 2922991 (VCV002922991.4), dbSNP rs774946139, ClinGen allele CA162919783.

ClinVar aggregate classification (germline): Uncertain significance. Review status: criteria provided, multiple submitters, no conflicts (2 of 4 stars). 2 submissions from 2 submitters: Uncertain significance (2). Last evaluated 2025-10-14.

Conditions:
Osteogenesis imperfecta type I (OI1). Also called: Lobstein disease; OI, TYPE I; OSTEOGENESIS IMPERFECTA TARDA; OSTEOGENESIS IMPERFECTA WITH BLUE SCLERAE; Osteogenesis imperfecta type 1; Lobstein's Disease. Identifiers: Orphanet 216796, Orphanet 666, MedGen C0023931, MONDO:0008146, OMIM 166200. Disease mechanism: loss of function.
Ehlers-Danlos syndrome, classic type, 1 (EDSCL1). Also called: EDS I; EHLERS-DANLOS SYNDROME, GRAVIS TYPE; EHLERS-DANLOS SYNDROME, SEVERE CLASSIC TYPE; Ehlers-Danlos syndrome, type 1; Ehlers-Danlos Syndrome, Classic Type, COL5A1-Related. Identifiers: MedGen C0268335, MONDO:0019567, OMIM 130000.

gnomAD v4.1: 4 of 1,614,110 alleles (0.00025%); highest among the groups gnomAD compares: Non-Finnish European, 0.00034%; no homozygotes.

Submissions (2):

Labcorp Genetics (formerly Invitae), Labcorp
Classification: Uncertain significance for Osteogenesis imperfecta type I; Ehlers-Danlos syndrome, classic type, 1. Last evaluated: 2025-10-14. Review status: criteria provided, single submitter. Criteria: Invitae Variant Classification Sherloc (09022015). Collection method: clinical testing. Allele origin: germline.
Comment: This sequence change affects codon 297 of the COL1A2 mRNA. It is a 'silent' change, meaning that it does not change the encoded amino acid sequence of the COL1A2 protein. It affects a nucleotide within the consensus splice site. This variant is present in population databases (no rsID available, gnomAD 0.0009%). This variant has not been reported in the literature in individuals affected with COL1A2-related conditions. ClinVar contains an entry for this variant (Variation ID: 2922991). Algorithms developed to predict the effect of sequence changes on RNA splicing suggest that this variant is not likely to affect RNA splicing. In summary, the available evidence is currently insufficient to determine the role of this variant in disease. Therefore, it has been classified as a Variant of Uncertain Significance.

Mayo Clinic Laboratories, Mayo Clinic
Classification: Uncertain significance. Last evaluated: 2025-03-11. Review status: criteria provided, single submitter. Criteria: ACMG Guidelines, 2015. Collection method: clinical testing. Allele origin: germline. Observed: 1 variant allele.
Comment: BP4, PM2_supporting